The following is an entry in ClinVar:

NM_020693.4(DSCAML1):c.2507G>A (p.Arg836Gln)

Gene: DSCAML1 (DS cell adhesion molecule like 1; minus strand). Cytogenetic location: 11q23.3.
Variant type: single nucleotide variant.
Coding change: c.2507G>A on transcript NM_020693.4 (MANE Select); coding-DNA position 2507, G replaced by A.
Protein change: p.Arg836Gln; replaces arginine 836 with glutamine.
Molecular consequence: missense variant.
Genome position (GRCh38, 1-based): chr11:117,482,015, C>T on the plus strand (G>A on the coding strand, the complement: DSCAML1 is on the minus strand). VCF-style: chr11-117482015-C-T. GRCh37 (hg19) VCF-style: chr11-117352730-C-T.
Other names: c.2507G>A, p.Arg836Gln (NM_001367904.1); short protein forms R836Q.
Identifiers: ClinVar variation 1389978 (VCV001389978.6), dbSNP rs140050782, ClinGen allele CA6296991.

ClinVar aggregate classification (germline): Uncertain significance (1 of 4 stars; one submission).

Allele frequency attached by ClinVar (database versions not stated): ExAC 0.00002; gnomAD exomes 0.00003 and 0.00004; gnomAD 0.00004 and 0.00005; TOPMed 0.00006; ESP Exome Variant Server 0.00008; 1000 Genomes Project 30x 0.00016; 1000 Genomes Project 0.00020.
gnomAD v4.1: 50 of 1,614,146 alleles (0.0031%); highest among the groups gnomAD compares: East Asian, 0.011%; no homozygotes.

Submission:

Labcorp Genetics (formerly Invitae), Labcorp
Classification: Uncertain significance. Last evaluated: 2025-01-29. Review status: criteria provided, single submitter. Criteria: Invitae Variant Classification Sherloc (09022015). Collection method: clinical testing. Allele origin: germline.
Comment: This sequence change replaces arginine, which is basic and polar, with glutamine, which is neutral and polar, at codon 896 of the DSCAML1 protein (p.Arg896Gln). This variant is present in population databases (rs140050782, gnomAD 0.01%). This variant has not been reported in the literature in individuals affected with DSCAML1-related conditions. ClinVar contains an entry for this variant (Variation ID: 1389978). An algorithm developed to predict the effect of missense changes on protein structure and function (PolyPhen-2) suggests that this variant is likely to be disruptive. In summary, the available evidence is currently insufficient to determine the role of this variant in disease. Therefore, it has been classified as a Variant of Uncertain Significance.